The following is an entry in ClinVar:

ClinVar aggregate classification (germline): Conflicting classifications of pathogenicity. Review status: criteria provided, conflicting classifications (1 of 4 stars). 3 submissions from 3 submitters: Uncertain significance (1); Likely benign (2). Last evaluated 2024-04-05.

Conditions:
Inborn genetic diseases. Identifiers: MedGen C0950123, MeSH D030342.
Developmental delay, hypotonia, musculoskeletal defects, and behavioral abnormalities. Identifiers: MedGen C5562012, MONDO:0859202, OMIM 619595.
Floating-Harbor syndrome (FLHS). Also called: Short stature with delayed bone age, expressive language delay, a triangular face with a prominent nose and deep-set eyes; Pelletier-Leisti syndrome; SRCAP-Related Floating-Harbor Syndrome. Identifiers: Orphanet 2044, MedGen C0729582, MONDO:0007621, OMIM 136140.

Allele frequency attached by ClinVar (database versions not stated): TOPMed 0.00007; ESP Exome Variant Server 0.00008; ExAC 0.00004; gnomAD 0.00005; gnomAD exomes 0.00005.
gnomAD v4.1: 74 of 1,602,380 alleles (0.0046%); highest among the groups gnomAD compares: Middle Eastern, 0.05%; no homozygotes.

Submissions (3):

Labcorp Genetics (formerly Invitae), Labcorp
Classification: Uncertain significance. Last evaluated: 2024-04-05. Review status: criteria provided, single submitter. Criteria: Invitae Variant Classification Sherloc (09022015). Collection method: clinical testing. Allele origin: germline.
Comment: This sequence change replaces valine, which is neutral and non-polar, with alanine, which is neutral and non-polar, at codon 1085 of the SRCAP protein (p.Val1085Ala). This variant is present in population databases (rs200083101, gnomAD 0.01%). This variant has not been reported in the literature in individuals affected with SRCAP-related conditions. ClinVar contains an entry for this variant (Variation ID: 1359277). Experimental studies and prediction algorithms are not available or were not evaluated, and the functional significance of this variant is currently unknown. In summary, the available evidence is currently insufficient to determine the role of this variant in disease. Therefore, it has been classified as a Variant of Uncertain Significance.

Fulgent Genetics
Classification: Likely benign for Floating-Harbor syndrome; Developmental delay, hypotonia, musculoskeletal defects, and behavioral abnormalities. Last evaluated: 2024-03-08. Review status: criteria provided, single submitter. Criteria: ACMG Guidelines, 2015. Collection method: clinical testing. Allele origin: germline.

Ambry Genetics
Classification: Likely benign for Inborn genetic diseases. Last evaluated: 2023-02-16. Review status: criteria provided, single submitter. Criteria: Ambry Variant Classification Scheme 2023. Collection method: clinical testing. Allele origin: germline.

NM_006662.3(SRCAP):c.3254T>C (p.Val1085Ala)

Gene: SRCAP (Snf2 related CREBBP activator protein; plus strand). Cytogenetic location: 16p11.2.
Variant type: single nucleotide variant.
Coding change: c.3254T>C on transcript NM_006662.3 (MANE Select); coding-DNA position 3254, T replaced by C.
Protein change: p.Val1085Ala; replaces valine 1085 with alanine.
Molecular consequence: missense variant.
Genome position (GRCh38, 1-based): chr16:30,721,189, T>C. VCF-style: chr16-30721189-T-C. GRCh37 (hg19) VCF-style: chr16-30732510-T-C.
Other names: c.3254T>C (NM_006662.2); short protein forms V1085A.
Identifiers: ClinVar variation 1359277 (VCV001359277.8), dbSNP rs200083101, ClinGen allele CA8011452.